The following is an entry in ClinVar:

ClinVar aggregate classification (germline): Uncertain significance. Review status: criteria provided, multiple submitters, no conflicts (2 of 4 stars). 2 submissions from 2 submitters: Uncertain significance (2). Last evaluated 2025-09-28.

Conditions:
Nemaline myopathy 8 (NEM8). Also called: Nemaline myopathy 8, autosomal recessive. Identifiers: Orphanet 171430, MedGen C3809209, MONDO:0014138, OMIM 615348.
Inborn genetic diseases. Identifiers: MedGen C0950123, MeSH D030342.

Allele frequency attached by ClinVar (database versions not stated): TOPMed below 0.00001.
gnomAD v4.1: 14 of 1,604,234 alleles (0.00087%); highest among the groups gnomAD compares: South Asian, 0.0022%; no homozygotes.

Submissions (2):

Ambry Genetics
Classification: Uncertain significance for Inborn genetic diseases. Last evaluated: 2025-09-28. Review status: criteria provided, single submitter. Criteria: Ambry Variant Classification Scheme 2023. Collection method: clinical testing. Allele origin: germline.

Labcorp Genetics (formerly Invitae), Labcorp
Classification: Uncertain significance for Nemaline myopathy 8. Last evaluated: 2025-02-20. Review status: criteria provided, single submitter. Criteria: Invitae Variant Classification Sherloc (09022015). Collection method: clinical testing. Allele origin: germline.
Comment: This sequence change replaces alanine, which is neutral and non-polar, with valine, which is neutral and non-polar, at codon 8 of the KLHL40 protein (p.Ala8Val). The frequency data for this variant in the population databases is considered unreliable, as metrics indicate poor data quality at this position in the gnomAD database. This variant has not been reported in the literature in individuals affected with KLHL40-related conditions. ClinVar contains an entry for this variant (Variation ID: 2084280). Invitae Evidence Modeling of protein sequence and biophysical properties (such as structural, functional, and spatial information, amino acid conservation, physicochemical variation, residue mobility, and thermodynamic stability) indicates that this missense variant is not expected to disrupt KLHL40 protein function with a negative predictive value of 95%. In summary, the available evidence is currently insufficient to determine the role of this variant in disease. Therefore, it has been classified as a Variant of Uncertain Significance.

NM_152393.4(KLHL40):c.23C>T (p.Ala8Val)

Gene: KLHL40 (kelch like family member 40; plus strand). Cytogenetic location: 3p22.1.
Variant type: single nucleotide variant.
Coding change: c.23C>T on transcript NM_152393.4 (MANE Select); coding-DNA position 23, C replaced by T.
Protein change: p.Ala8Val; replaces alanine 8 with valine.
Molecular consequence: missense variant.
Genome position (GRCh38, 1-based): chr3:42,685,641, C>T. VCF-style: chr3-42685641-C-T. GRCh37 (hg19) VCF-style: chr3-42727133-C-T.
Other names: c.23C>T (NM_152393.2); short protein forms A8V.
Identifiers: ClinVar variation 2084280 (VCV002084280.3), dbSNP rs1165144213, ClinGen allele CA352288523.
Genomic context (GRCh38, chr3:42,685,641, plus strand): 5'-CCCCCTTGGCACCGCCACCGCACCCTAGGCCACCCACCATGGCGCTGGGCTTGGAGCAGG[C>T]GGAGGAGCAGCGGTTGTACCAGCAGACGCTCCTGCAAGACGGGCTCAAAGACATGCTGGA-3'
Protein context (NP_689606.2, residues 1-18): MALGLEQ[Ala8Val]EEQRLYQQTL